The following is an entry in ClinVar:

NC_000013.10:g.(?_32910338)_(32915062_?)del

Gene: BRCA2 (BRCA2 DNA repair associated; plus strand). Cytogenetic location: 13q13.1.
Variant type: Deletion.
Identifiers: ClinVar variation 3244177 (VCV003244177.1).

ClinVar aggregate classification (germline): Likely pathogenic (1 of 4 stars; one submission).

Conditions:
Hereditary breast ovarian cancer syndrome. Also called: Hereditary breast and ovarian cancer syndrome; Hereditary breast and ovarian cancer; Hereditary breast and ovarian cancer syndrome (HBOC); Breast and ovarian cancer; Hereditary breast and/or ovarian cancer syndrome; BRCA1- and BRCA2-Associated Hereditary Breast and Ovarian Cancer. Identifiers: Orphanet 145, MedGen C0677776, MeSH D061325, MONDO:0003582. Disease mechanism: loss of function.

Submission:

Labcorp Genetics (formerly Invitae), Labcorp
Classification: Likely pathogenic for Hereditary breast ovarian cancer syndrome. Last evaluated: 2023-08-22. Review status: criteria provided, single submitter. Criteria: Invitae Variant Classification Sherloc (09022015). Collection method: clinical testing. Allele origin: unknown.
Comment: This variant results in the deletion of part of exon 11 (c.1910-64_6570del) of the BRCA2 gene. It is expected to disrupt RNA splicing. Variants that disrupt the donor or acceptor splice site typically lead to a loss of protein function (PMID: 16199547), and loss-of-function variants in BRCA2 are known to be pathogenic (PMID: 20104584). This variant has not been reported in the literature in individuals affected with BRCA2-related conditions. In summary, the currently available evidence indicates that the variant is pathogenic, but additional data are needed to prove that conclusively. Therefore, this variant has been classified as Likely Pathogenic.

Literature cited by the submitters: PubMed 16199547; PubMed 20104584.